The following is an entry in ClinVar:

NM_002775.5(HTRA1):c.972+1G>C

Gene: HTRA1 (HtrA serine peptidase 1; plus strand). Cytogenetic location: 10q26.13.
Variant type: single nucleotide variant.
Coding change: c.972+1G>C on transcript NM_002775.5 (MANE Select); the canonical splice donor site of the intron after coding-DNA position 972, G replaced by C.
Molecular consequence: splice donor variant.
Genome position (GRCh38, 1-based): chr10:122,506,886, G>C. VCF-style: chr10-122506886-G-C. GRCh37 (hg19) VCF-style: chr10-124266402-G-C.
Identifiers: ClinVar variation 1687432 (VCV001687432.1), dbSNP rs1432594571, ClinGen allele CA378585884.

ClinVar aggregate classification (germline): Likely pathogenic (1 of 4 stars; one submission).

Conditions:
Cerebral arteriopathy, autosomal dominant, with subcortical infarcts and leukoencephalopathy, type 2 (CADASIL2). Identifiers: MedGen C4225211, MONDO:0014768, OMIM 616779.

gnomAD v4.1: 1 of 1,613,112 alleles (0.000062%); highest among the groups gnomAD compares: South Asian, 0.0011%; no homozygotes.

Submission:

3billion
Classification: Likely pathogenic for Cerebral arteriopathy, autosomal dominant, with subcortical infarcts and leukoencephalopathy, type 2. Last evaluated: 2022-05-22. Review status: criteria provided, single submitter. Criteria: ACMG Guidelines, 2015. Collection method: clinical testing. Allele origin: germline. Affected: yes. Observed: 1 heterozygote.
Comment: The variant is not observed in the gnomAD v2.1.1 dataset. Canonical splice site: predicted to alter splicing and result in a loss or disruption of normal protein function. Multiple pathogenic loss-of-function variants are reported downstream of the variant. Therefore, this variant is classified as likely pathogenic according to the recommendation of ACMG/AMP guideline.